The following is an entry in ClinVar:

NM_002439.5(MSH3):c.1007A>G (p.Lys336Arg)

Genes: MSH3 (mutS homolog 3; plus strand), LOC126807437 (MED14-independent group 3 enhancer GRCh37_chr5:79968379-79969578; plus strand). Cytogenetic location: 5q14.1.
Variant type: single nucleotide variant.
Coding change: c.1007A>G on transcript NM_002439.5 (MANE Select); coding-DNA position 1007, A replaced by G.
Protein change: p.Lys336Arg; replaces lysine 336 with arginine.
Molecular consequence: missense variant.
Genome position (GRCh38, 1-based): chr5:80,672,838, A>G. VCF-style: chr5-80672838-A-G. GRCh37 (hg19) VCF-style: chr5-79968657-A-G.
Other names: short protein forms K336R.
Identifiers: ClinVar variation 1037250 (VCV001037250.9), dbSNP rs1364868688, ClinGen allele CA360267521.

ClinVar aggregate classification (germline): Uncertain significance. Review status: criteria provided, multiple submitters, no conflicts (2 of 4 stars). 2 submissions from 2 submitters: Uncertain significance (2). Last evaluated 2021-10-06.

Conditions:
Hereditary cancer-predisposing syndrome. Also called: Neoplastic Syndromes, Hereditary; Hereditary Cancer Syndrome; Tumor predisposition; Hereditary neoplastic syndrome. Identifiers: Orphanet 140162, MedGen C0027672, MeSH D009386, MONDO:0015356.

Allele frequency attached by ClinVar (database versions not stated): gnomAD exomes below 0.00001; TOPMed below 0.00001.
gnomAD v4.1: 3 of 1,610,356 alleles (0.00019%); highest among the groups gnomAD compares: East Asian, 0.0045%; no homozygotes.

Submissions (2):

Labcorp Genetics (formerly Invitae), Labcorp
Classification: Uncertain significance. Last evaluated: 2021-10-06. Review status: criteria provided, single submitter. Criteria: Invitae Variant Classification Sherloc (09022015). Collection method: clinical testing. Allele origin: germline.
Comment: Algorithms developed to predict the effect of missense changes on protein structure and function (SIFT, PolyPhen-2, Align-GVGD) all suggest that this variant is likely to be disruptive. This variant has not been reported in the literature in individuals affected with MSH3-related conditions. This variant is not present in population databases (ExAC no frequency). This sequence change replaces lysine with arginine at codon 336 of the MSH3 protein (p.Lys336Arg). The lysine residue is highly conserved and there is a small physicochemical difference between lysine and arginine. Algorithms developed to predict the effect of sequence changes on RNA splicing suggest that this variant may create or strengthen a splice site. In summary, the available evidence is currently insufficient to determine the role of this variant in disease. Therefore, it has been classified as a Variant of Uncertain Significance.

Ambry Genetics
Classification: Uncertain significance for Hereditary cancer-predisposing syndrome. Last evaluated: 2020-06-30. Review status: criteria provided, single submitter. Criteria: Ambry Variant Classification Scheme 2023. Collection method: clinical testing. Allele origin: germline.
Comment: The p.K336R variant (also known as c.1007A>G), located in coding exon 6 of the MSH3 gene, results from an A to G substitution at nucleotide position 1007. The lysine at codon 336 is replaced by arginine, an amino acid with highly similar properties. This amino acid position is highly conserved in available vertebrate species. In addition, the in silico prediction for this alteration is inconclusive. Since supporting evidence is limited at this time, the clinical significance of this alteration remains unclear.